The following is an entry in ClinVar:

NM_000038.6(APC):c.645+875T>C

Gene: APC (APC regulator of WNT signaling pathway; plus strand). Cytogenetic location: 5q22.2.
Variant type: single nucleotide variant.
Coding change: c.645+875T>C on transcript NM_000038.6 (MANE Select); 875 bases into the intron after coding-DNA position 645, T replaced by C.
Molecular consequence: intron variant.
Genome position (GRCh38, 1-based): chr5:112,781,778, T>C. VCF-style: chr5-112781778-T-C. GRCh37 (hg19) VCF-style: chr5-112117475-T-C.
Other names: c.645+875T>C (NM_001354895.2, NM_001127510.3, NM_001354896.2 and 2 more transcripts); c.675+875T>C (NM_001354897.2, NM_001354902.2, NM_001127511.3); c.570+875T>C (NM_001354898.2, NM_001354904.2); c.-391+875T>C (NM_001354906.2); c.468+875T>C (NM_001354900.2, NM_001354901.2, NM_001354905.2).
Identifiers: ClinVar variation 82945 (VCV000082945.2), dbSNP rs75065846, ClinGen allele CA011636.

ClinVar aggregate classification (germline): other (0 of 4 stars; one submission).

Conditions:
Familial colorectal cancer. Identifiers: MedGen CN280943, MONDO:0023113. Disease mechanism: loss of function.

Allele frequency attached by ClinVar (database versions not stated): gnomAD 0.00005; TOPMed 0.00007.
gnomAD v4.1: 7 of 151,206 alleles (0.0046%); highest among the groups gnomAD compares: Non-Finnish European, 0.0088%; no homozygotes.

Submission:

Systems Biology Platform Zhejiang California International NanoSystems Institute
Classification: other for Familial colorectal cancer. Review status: no assertion criteria provided. Collection method: not provided. Allele origin: unknown.
ClinVar note: Converted during submission from cancer to other.